The following is an entry in ClinVar:

ClinVar aggregate classification (germline): Conflicting classifications of pathogenicity. Review status: criteria provided, conflicting classifications (1 of 4 stars). 2 submissions from 2 submitters: Likely pathogenic (1); Uncertain significance (1). Last evaluated 2022-06-28.

Allele frequency attached by ClinVar (database versions not stated): gnomAD exomes below 0.00001.
gnomAD v4.1: 1 of 1,603,946 alleles (0.000062%); no homozygotes.

Submissions (2):

Mayo Clinic Laboratories, Mayo Clinic
Classification: Uncertain significance. Last evaluated: 2022-06-28. Review status: criteria provided, single submitter. Criteria: ACMG Guidelines, 2015. Collection method: clinical testing. Allele origin: germline. Observed: 1 variant allele.
Comment: PP3, PP5, PM2, PVS1_moderate

CeGaT Center for Human Genetics Tuebingen
Classification: Likely pathogenic. Last evaluated: 2019-06-01. Review status: criteria provided, single submitter. Criteria: CeGaT Center For Human Genetics Tuebingen Variant Classification Criteria Version 2. Collection method: clinical testing. Allele origin: germline. Affected: yes. Observed: 1 variant allele.

NM_001002010.5(NT5C3A):c.895-2A>G

Gene: NT5C3A (5'-nucleotidase, cytosolic IIIA; minus strand). Cytogenetic location: 7p14.3.
Variant type: single nucleotide variant.
Coding change: c.895-2A>G on transcript NM_001002010.5 (MANE Select); the canonical splice acceptor site of the intron before coding-DNA position 895, A replaced by G.
Molecular consequence: splice acceptor variant.
Genome position (GRCh38, 1-based): chr7:33,014,833, T>C on the plus strand (A>G on the coding strand, the complement: NT5C3A is on the minus strand). VCF-style: chr7-33014833-T-C. GRCh37 (hg19) VCF-style: chr7-33054445-T-C.
Other names: p.?; c.796-2A>G (NM_001374335.1); c.694-2A>G (NM_001374338.1, NM_001374339.1); c.793-2A>G (NM_001002009.3, NM_016489.14); c.757-2A>G (NM_001374336.1, NM_001374337.1, NM_001166118.3 and 1 more transcripts); c.910-2A>G (NM_001002010.2).
Identifiers: ClinVar variation 810083 (VCV000810083.43), dbSNP rs1583884979, ClinGen allele CA367190218.